The following is an entry in ClinVar:

ClinVar aggregate classification (germline): Conflicting classifications of pathogenicity. Review status: criteria provided, conflicting classifications (1 of 4 stars). 3 submissions from 3 submitters: Pathogenic (1); Likely pathogenic (1); Uncertain significance (1). Last evaluated 2025-09-25.

Conditions:
Zimmermann-Laband syndrome 1 (ZLS1). Identifiers: Orphanet 3473, MedGen C4551773, MONDO:0024526, OMIM 135500.

Submissions (3):

Institute of Human Genetics, University of Leipzig Medical Center
Classification: Likely pathogenic for Zimmermann-Laband syndrome 1. Last evaluated: 2025-09-25. Review status: criteria provided, single submitter. Criteria: ACMG Guidelines, 2015. Collection method: clinical testing. Allele origin: de novo. Inheritance: Autosomal dominant inheritance. Affected: yes.
Comment: Criteria applied: PS2_MOD,PS4_SUP,PM2,PP2,PP3

GeneDx
Classification: Pathogenic. Last evaluated: 2025-02-05. Review status: criteria provided, single submitter. Criteria: GeneDx Variant Classification Process June 2021. Collection method: clinical testing. Allele origin: germline. Affected: yes.
Comment: Not observed at significant frequency in large population cohorts (gnomAD); In silico analysis supports that this missense variant has a deleterious effect on protein structure/function; Has not been previously published as pathogenic or benign to our knowledge

Labcorp Genetics (formerly Invitae), Labcorp
Classification: Uncertain significance. Last evaluated: 2023-11-11. Review status: criteria provided, single submitter. Criteria: Invitae Variant Classification Sherloc (09022015). Collection method: clinical testing. Allele origin: germline.
Comment: This sequence change replaces isoleucine, which is neutral and non-polar, with threonine, which is neutral and polar, at codon 372 of the KCNH1 protein (p.Ile372Thr). This variant is not present in population databases (gnomAD no frequency). This variant has not been reported in the literature in individuals affected with KCNH1-related conditions. Advanced modeling of protein sequence and biophysical properties (such as structural, functional, and spatial information, amino acid conservation, physicochemical variation, residue mobility, and thermodynamic stability) performed at Invitae indicates that this missense variant is expected to disrupt KCNH1 protein function with a positive predictive value of 95%. In summary, the available evidence is currently insufficient to determine the role of this variant in disease. Therefore, it has been classified as a Variant of Uncertain Significance.

NM_172362.3(KCNH1):c.1115T>C (p.Ile372Thr)

Gene: KCNH1 (potassium voltage-gated channel subfamily H member 1; minus strand). Cytogenetic location: 1q32.2.
Variant type: single nucleotide variant.
Coding change: c.1115T>C on transcript NM_172362.3 (MANE Select); coding-DNA position 1115, T replaced by C.
Protein change: p.Ile372Thr; replaces isoleucine 372 with threonine.
Molecular consequence: missense variant.
Genome position (GRCh38, 1-based): chr1:210,919,987, A>G on the plus strand (T>C on the coding strand, the complement: KCNH1 is on the minus strand). VCF-style: chr1-210919987-A-G. GRCh37 (hg19) VCF-style: chr1-211093329-A-G.
Other names: c.1034T>C, p.Ile345Thr (NM_002238.4); c.1115T>C (NM_172362.2); short protein forms I372T, I345T.
Identifiers: ClinVar variation 2894243 (VCV002894243.5), dbSNP rs2527120758, ClinGen allele CA344873933.